The following is an entry in ClinVar:

ClinVar aggregate classification (germline): Uncertain significance (1 of 4 stars; one submission).

Allele frequency attached by ClinVar (database versions not stated): TOPMed below 0.00001; gnomAD exomes 0.00002 and 0.00004; ExAC 0.00004.
gnomAD v4.1: 11 of 1,612,968 alleles (0.00068%); highest among the groups gnomAD compares: Admixed American, 0.017%; no homozygotes.

Submission:

Labcorp Genetics (formerly Invitae), Labcorp
Classification: Uncertain significance. Last evaluated: 2022-08-22. Review status: criteria provided, single submitter. Criteria: Invitae Variant Classification Sherloc (09022015). Collection method: clinical testing. Allele origin: germline.
Comment: This sequence change replaces aspartic acid, which is acidic and polar, with asparagine, which is neutral and polar, at codon 410 of the MAP3K20 protein (p.Asp410Asn). This variant is present in population databases (rs779763254, gnomAD 0.02%). This variant has not been reported in the literature in individuals affected with MAP3K20-related conditions. ClinVar contains an entry for this variant (Variation ID: 1425532). Experimental studies and prediction algorithms are not available or were not evaluated, and the functional significance of this variant is currently unknown. Algorithms developed to predict the effect of sequence changes on RNA splicing suggest that this variant may disrupt the consensus splice site. In summary, the available evidence is currently insufficient to determine the role of this variant in disease. Therefore, it has been classified as a Variant of Uncertain Significance.

NM_016653.3(MAP3K20):c.1228G>A (p.Asp410Asn)

Genes: MAP3K20 (mitogen-activated protein kinase kinase kinase 20; plus strand), MAP3K20-AS1 (MAP3K20 antisense RNA 1; minus strand). Cytogenetic location: 2q31.1.
Variant type: single nucleotide variant.
Coding change: c.1228G>A on transcript NM_016653.3 (MANE Select); coding-DNA position 1228, G replaced by A.
Protein change: p.Asp410Asn; replaces aspartic acid 410 with asparagine.
Molecular consequence: missense variant.
Genome position (GRCh38, 1-based): chr2:173,238,397, G>A. VCF-style: chr2-173238397-G-A. GRCh37 (hg19) VCF-style: chr2-174103125-G-A.
Other names: short protein forms D410N.
Identifiers: ClinVar variation 1425532 (VCV001425532.3), dbSNP rs779763254, ClinGen allele CA1970773.